The following is an entry in ClinVar:

NM_022552.5(DNMT3A):c.928A>G (p.Ile310Val)

Gene: DNMT3A (DNA methyltransferase 3 alpha; minus strand). Cytogenetic location: 2p23.3.
Variant type: single nucleotide variant.
Coding change: c.928A>G on transcript NM_022552.5 (MANE Select); coding-DNA position 928, A replaced by G.
Protein change: p.Ile310Val; replaces isoleucine 310 with valine.
Molecular consequence: missense variant. On other transcripts: non-coding transcript variant (1).
Genome position (GRCh38, 1-based): chr2:25,247,677, T>C on the plus strand (A>G on the coding strand, the complement: DNMT3A is on the minus strand). VCF-style: chr2-25247677-T-C. GRCh37 (hg19) VCF-style: chr2-25470546-T-C.
Other names: c.472A>G, p.Ile158Val (NM_001320893.1); c.259A>G, p.Ile87Val (NM_001375819.1); c.361A>G, p.Ile121Val (NM_153759.3); c.928A>G, p.Ile310Val (NM_175629.2); short protein forms I121V, I158V, I310V, I87V.
Identifiers: ClinVar variation 1188008 (VCV001188008.2), dbSNP rs774128516, ClinGen allele CA346075013.

ClinVar aggregate classification (germline): Uncertain significance (1 of 4 stars; one submission).

Allele frequency attached by ClinVar (database versions not stated): gnomAD 0.00001.

Submission:

GeneDx
Classification: Uncertain significance. Last evaluated: 2020-03-09. Review status: criteria provided, single submitter. Criteria: GeneDx Variant Classification Process June 2021. Collection method: clinical testing. Allele origin: germline. Affected: yes.
Comment: Not observed in large population cohorts (Lek et al., 2016); In silico analysis supports that this missense variant does not alter protein structure/function; Has not been previously published as pathogenic or benign to our knowledge